The following is an entry in ClinVar:

ClinVar aggregate classification (germline): Uncertain significance (1 of 4 stars; one submission).

Submission:

GeneDx
Classification: Uncertain significance. Last evaluated: 2025-04-24. Review status: criteria provided, single submitter. Criteria: GeneDx Variant Classification Process June 2021. Collection method: clinical testing. Allele origin: germline. Affected: yes.
Comment: Has not been previously published as pathogenic or benign to our knowledge; In silico analysis supports that this missense variant has a deleterious effect on protein structure/function; Not observed at significant frequency in large population cohorts (gnomAD)

NM_000313.4(PROS1):c.1445G>A (p.Gly482Asp)

Gene: PROS1 (protein S; minus strand). Cytogenetic location: 3q11.1.
Variant type: single nucleotide variant.
Coding change: c.1445G>A on transcript NM_000313.4 (MANE Select); coding-DNA position 1445, G replaced by A.
Protein change: p.Gly482Asp; replaces glycine 482 with aspartic acid.
Molecular consequence: missense variant.
Genome position (GRCh38, 1-based): chr3:93,884,775, C>T on the plus strand (G>A on the coding strand, the complement: PROS1 is on the minus strand). VCF-style: chr3-93884775-C-T. GRCh37 (hg19) VCF-style: chr3-93603619-C-T.
Other names: c.1541G>A, p.Gly514Asp (NM_001314077.2); short protein forms G482D, G514D.
Identifiers: ClinVar variation 450625 (VCV000450625.4), dbSNP rs1553809108, ClinGen allele CA353667782.